The following is an entry in ClinVar:

ClinVar aggregate classification (germline): Uncertain significance (1 of 4 stars; one submission).

Submission:

Labcorp Genetics (formerly Invitae), Labcorp
Classification: Uncertain significance. Last evaluated: 2025-07-23. Review status: criteria provided, single submitter. Criteria: Invitae Variant Classification Sherloc (09022015). Collection method: clinical testing. Allele origin: germline.
Comment: This sequence change replaces valine, which is neutral and non-polar, with leucine, which is neutral and non-polar, at codon 2429 of the PIEZO2 protein (p.Val2429Leu). This variant is not present in population databases (gnomAD no frequency). This variant has not been reported in the literature in individuals affected with PIEZO2-related conditions. Invitae Evidence Modeling of protein sequence and biophysical properties (such as structural, functional, and spatial information, amino acid conservation, physicochemical variation, residue mobility, and thermodynamic stability) indicates that this missense variant is expected to disrupt PIEZO2 protein function with a positive predictive value of 80%. In summary, the available evidence is currently insufficient to determine the role of this variant in disease. Therefore, it has been classified as a Variant of Uncertain Significance.

NM_001378183.1(PIEZO2):c.7624G>T (p.Val2542Leu)

Gene: PIEZO2 (piezo type mechanosensitive ion channel component 2; minus strand). Cytogenetic location: 18p11.22.
Variant type: single nucleotide variant.
Coding change: c.7624G>T on transcript NM_001378183.1 (MANE Select); coding-DNA position 7624, G replaced by T.
Protein change: p.Val2542Leu; replaces valine 2542 with leucine.
Molecular consequence: missense variant.
Genome position (GRCh38, 1-based): chr18:10,682,166, C>A on the plus strand (G>T on the coding strand, the complement: PIEZO2 is on the minus strand). VCF-style: chr18-10682166-C-A. GRCh37 (hg19) VCF-style: chr18-10682163-C-A.
Other names: c.7360G>T, p.Val2454Leu (NM_001410871.1); c.7285G>T, p.Val2429Leu (NM_022068.4); short protein forms V2454L, V2429L, V2542L.
Identifiers: ClinVar variation 4743072 (VCV004743072.1).
Genomic context (GRCh38, chr18:10,682,166, plus strand): 5'-GATACCCTCCCAGGGTAATTGTGACGGAGACGTCCAGGGGCTGGTTGATGACCCCAGCCA[C>A]AGATTTGATCAAAGACATGAAGAGAAGAGGAAACCAGACAATGCAGATGAGCAGGACGAT-3'
Protein context (NP_001365112.1, residues 2532-2552): PLLFMSLIKS[Val2542Leu]AGVINQPLDV